The following is an entry in ClinVar:

ClinVar aggregate classification (germline): Uncertain significance (1 of 4 stars; one submission).

Submission:

Labcorp Genetics (formerly Invitae), Labcorp
Classification: Uncertain significance. Last evaluated: 2023-12-14. Review status: criteria provided, single submitter. Criteria: Invitae Variant Classification Sherloc (09022015). Collection method: clinical testing. Allele origin: germline.
Comment: This variant results in a copy number gain of the genomic region encompassing exon(s) 2-6 of the SI gene. This region includes the initiator codon of the gene. This copy number gain extends beyond the assayed region for this gene and therefore may encompass additional genes. As the precise location of this event is unknown, it may be in tandem or it may be located elsewhere in the genome. This variant has not been reported in the literature in individuals affected with SI-related conditions. In summary, the available evidence is currently insufficient to determine the role of this variant in disease. Therefore, it has been classified as a Variant of Uncertain Significance.

NC_000003.11:g.(?_164785108)_(164793800_?)dup

Gene: SI (sucrase-isomaltase; minus strand). Cytogenetic location: 3q26.1.
Variant type: Duplication.
Identifiers: ClinVar variation 1431851 (VCV001431851.4).